The following is an entry in ClinVar:

NM_000286.3(PEX12):c.734T>C (p.Leu245Ser)

Gene: PEX12 (peroxisomal biogenesis factor 12; minus strand). Cytogenetic location: 17q12.
Variant type: single nucleotide variant.
Coding change: c.734T>C on transcript NM_000286.3 (MANE Select); coding-DNA position 734, T replaced by C.
Protein change: p.Leu245Ser; replaces leucine 245 with serine.
Molecular consequence: missense variant.
Genome position (GRCh38, 1-based): chr17:35,576,128, A>G on the plus strand (T>C on the coding strand, the complement: PEX12 is on the minus strand). VCF-style: chr17-35576128-A-G. GRCh37 (hg19) VCF-style: chr17-33903147-A-G.
Other names: short protein forms L245S.
Identifiers: ClinVar variation 1393893 (VCV001393893.6), dbSNP rs1364396743, ClinGen allele CA399137492.
Genomic context (GRCh38, chr17:35,576,128, plus strand): 5'-TACCACCAGTCAAGGAACTGCAAGAAGAATACACCCACAGAAAGGCCAGTAGACAGGGAT[A>G]AGGCAACACCCCCAACAGCTTTCTTCAGAGCTGAGTTTATCTTCTCACTAACACTGTTGG-3'
Protein context (NP_000277.1, residues 235-255): ALKKAVGGVA[Leu245Ser]SLSTGLSVGV

ClinVar aggregate classification (germline): Uncertain significance (1 of 4 stars; one submission).

Conditions:
Peroxisome biogenesis disorder 3A (Zellweger). Also called: Peroxisome biogenesis disorder 3A; PEROXISOMAL BIOGENESIS DISORDER 3A (ZELLWEGER). Identifiers: Orphanet 912, MedGen C3553929, MONDO:0013927, OMIM 614859.

Allele frequency attached by ClinVar (database versions not stated): TOPMed below 0.00001; gnomAD 0.00001.
gnomAD v4.1: 1 of 1,614,034 alleles (0.000062%); highest among the groups gnomAD compares: African/African-American, 0.0013%; no homozygotes.

Submission:

Labcorp Genetics (formerly Invitae), Labcorp
Classification: Uncertain significance for Peroxisome biogenesis disorder 3A (Zellweger). Last evaluated: 2023-07-17. Review status: criteria provided, single submitter. Criteria: Invitae Variant Classification Sherloc (09022015). Collection method: clinical testing. Allele origin: germline.
Comment: In summary, the available evidence is currently insufficient to determine the role of this variant in disease. Therefore, it has been classified as a Variant of Uncertain Significance. This variant has not been reported in the literature in individuals affected with PEX12-related conditions. ClinVar contains an entry for this variant (Variation ID: 1393893). Advanced modeling of protein sequence and biophysical properties (such as structural, functional, and spatial information, amino acid conservation, physicochemical variation, residue mobility, and thermodynamic stability) performed at Invitae indicates that this missense variant is not expected to disrupt PEX12 protein function. This sequence change replaces leucine, which is neutral and non-polar, with serine, which is neutral and polar, at codon 245 of the PEX12 protein (p.Leu245Ser). This variant is not present in population databases (gnomAD no frequency).